The following is an entry in ClinVar:

ClinVar aggregate classification (germline): Pathogenic (1 of 4 stars; one submission).

Submission:

CeGaT Center for Human Genetics Tuebingen
Classification: Pathogenic. Last evaluated: 2023-06-01. Review status: criteria provided, single submitter. Criteria: CeGaT Center For Human Genetics Tuebingen Variant Classification Criteria Version 2. Collection method: clinical testing. Allele origin: germline. Affected: yes. Observed: 1 variant allele.
Comment: SCN1A: PVS1, PM2

NM_001165963.4(SCN1A):c.382_383+4del

Gene: SCN1A (sodium voltage-gated channel alpha subunit 1; minus strand). Cytogenetic location: 2q24.3.
Variant type: Deletion.
Coding change: c.382_383+4del on transcript NM_001165963.4 (MANE Select); coding-DNA position 382 through 4 bases into the intron after coding-DNA position 383, 6 bases deleted (TCATAT; older notation c.382_383+4delTCATAT).
Molecular consequence: splice donor variant.
Genome position (GRCh38, 1-based): chr2:166,058,566-166,058,571, ATATGA deleted on the plus strand (TCATAT on the coding strand, the reverse complement: SCN1A is on the minus strand); deleting any 6 consecutive bases within chr2:166,058,566-166,058,573 gives the same sequence; the c. name uses the placement nearest the transcript's 3' end. VCF-style (leftmost placement, unchanged base first): chr2-166058565-GATATGA-G. GRCh37 (hg19) VCF-style: chr2-166915075-GATATGA-G.
Other names: c.382_383+4del (NM_001353948.2, NM_001353960.2, NM_001353954.2 and 10 more transcripts); c.-2044_-2043+4del (NM_001353961.2).
Identifiers: ClinVar variation 2571099 (VCV002571099.27), dbSNP rs2468271445, ClinGen allele CA2580614398.